The following is an entry in ClinVar:

ClinVar aggregate classification (germline): Uncertain significance (1 of 4 stars; one submission).

Submission:

Labcorp Genetics (formerly Invitae), Labcorp
Classification: Uncertain significance. Last evaluated: 2022-08-23. Review status: criteria provided, single submitter. Criteria: Invitae Variant Classification Sherloc (09022015). Collection method: clinical testing. Allele origin: germline.
Comment: Algorithms developed to predict the effect of missense changes on protein structure and function (SIFT, PolyPhen-2, Align-GVGD) all suggest that this variant is likely to be disruptive. This variant has not been reported in the literature in individuals affected with RAI1-related conditions. This variant is not present in population databases (gnomAD no frequency). This sequence change replaces leucine, which is neutral and non-polar, with proline, which is neutral and non-polar, at codon 575 of the RAI1 protein (p.Leu575Pro). In summary, the available evidence is currently insufficient to determine the role of this variant in disease. Therefore, it has been classified as a Variant of Uncertain Significance.

NM_030665.4(RAI1):c.1724T>C (p.Leu575Pro)

Gene: RAI1 (retinoic acid induced 1; plus strand). Cytogenetic location: 17p11.2.
Variant type: single nucleotide variant.
Coding change: c.1724T>C on transcript NM_030665.4 (MANE Select); coding-DNA position 1724, T replaced by C.
Protein change: p.Leu575Pro; replaces leucine 575 with proline.
Molecular consequence: missense variant.
Genome position (GRCh38, 1-based): chr17:17,794,672, T>C. VCF-style: chr17-17794672-T-C. GRCh37 (hg19) VCF-style: chr17-17697986-T-C.
Other names: short protein forms L575P.
Identifiers: ClinVar variation 2065373 (VCV002065373.4), dbSNP rs1246706675, ClinGen allele CA398549066.